The following is an entry in ClinVar:

ClinVar aggregate classification (germline): Uncertain significance. Review status: criteria provided, multiple submitters, no conflicts (2 of 4 stars). 2 submissions from 2 submitters: Uncertain significance (2). Last evaluated 2026-03-05.

Conditions:
Netherton syndrome (NETH). Also called: NETHERTON DISEASE; ERYTHRODERMA, ICHTHYOSIFORM, WITH HYPOTRICHOSIS AND HYPER-IgE; COMEL-NETHERTON SYNDROME. Identifiers: Orphanet 634, MedGen C5574950, MONDO:0009735, OMIM 256500.

Submissions (2):

Broad Center for Mendelian Genomics, Broad Institute of MIT and Harvard
Classification: Uncertain significance for Netherton syndrome. Last evaluated: 2026-03-05. Review status: criteria provided, single submitter. Criteria: ACMG Guidelines, 2015. Collection method: research. Allele origin: germline. Inheritance: Autosomal recessive inheritance. Study: GREGoR Consortium.
Comment: The c.1431-571A>T variant in SPINK5 was identified by genome sequencing in the compound heterozygous state with a pathogenic variant in a child with congenital ichthyosis and erythroderma, blonde/sparse hair, and parakeratosis with neutrophils, and absent granular layer (Broad Institute Rare Genomes Project). It was absent from large population studies. A computational prediction tool, SpliceAI, predicts that this variant leads to the incorporation of a 109nt out-of­frame pseudoexon, which is predicted to lead to a premature termination codon downstream. However, this information is not predictive enough to determine pathogenicity. In summary, while there is some suspicion for a pathogenic role, the clinical significance of this variant is uncertain. ACMG/AMP Criteria applied: PM3, PP3, PP4, PM2_supporting.

Laboratory for Molecular Medicine, Mass General Brigham Personalized Medicine
Classification: Uncertain significance. Last evaluated: 2024-01-30. Review status: criteria provided, single submitter. Criteria: ACMG Guidelines, 2015. Collection method: clinical testing. Allele origin: germline.
Comment: The c.1431-571A>T variant in SPINK5 was identified by genome sequencing in the compound heterozygous state with a pathogenic variant in a child with congenital ichthyosis and erythroderma, blonde/sparse hair, and parakeratosis with neutrophils, and absent granular layer (Broad Institute Rare Genomes Project). It was absent from large population studies. A computational prediction tool, SpliceAI, predicts that this variant leads to the incorporation of a 109nt out of frame pseudoexon, which is predicted to lead to a premature termination codon downstream. However, this information is not predictive enough to determine pathogenicity. In summary, while there is some suspicion for a pathogenic role, the clinical significance of this variant is uncertain. ACMG/AMP Criteria applied: PM3, PP3, PP4, PM2_supporting.

NM_006846.4(SPINK5):c.1431-571A>T

Gene: SPINK5 (serine peptidase inhibitor Kazal type 5; plus strand). Cytogenetic location: 5q32.
Variant type: single nucleotide variant.
Coding change: c.1431-571A>T on transcript NM_006846.4 (MANE Select); 571 bases into the intron before coding-DNA position 1431, A replaced by T.
Molecular consequence: intron variant.
Genome position (GRCh38, 1-based): chr5:148,104,381, A>T. VCF-style: chr5-148104381-A-T. GRCh37 (hg19) VCF-style: chr5-147483944-A-T.
Other names: NM_006846.4:c.1431-571A>T; c.1431-571A>T (NM_001127698.2, NM_001127699.2).
Identifiers: ClinVar variation 3075943 (VCV003075943.2), dbSNP rs2531738264, ClinGen allele CA2582122413.